The following is an entry in ClinVar:

NM_020988.3(GNAO1):c.463T>C (p.Tyr155His)

Gene: GNAO1 (G protein subunit alpha o1; plus strand). Cytogenetic location: 16q13.
Variant type: single nucleotide variant.
Coding change: c.463T>C on transcript NM_020988.3 (MANE Select); coding-DNA position 463, T replaced by C.
Protein change: p.Tyr155His; replaces tyrosine 155 with histidine.
Molecular consequence: missense variant.
Genome position (GRCh38, 1-based): chr16:56,328,790, T>C. VCF-style: chr16-56328790-T-C. GRCh37 (hg19) VCF-style: chr16-56362702-T-C.
Other names: c.463T>C, p.Tyr155His (NM_138736.3); short protein forms Y155H.
Identifiers: ClinVar variation 3774234 (VCV003774234.1).

ClinVar aggregate classification (germline): Uncertain significance (1 of 4 stars; one submission).

Submission:

GeneDx
Classification: Uncertain significance. Last evaluated: 2024-09-18. Review status: criteria provided, single submitter. Criteria: GeneDx Variant Classification Process June 2021. Collection method: clinical testing. Allele origin: germline. Affected: yes.
Comment: Not observed at significant frequency in large population cohorts (gnomAD); In silico analysis supports that this missense variant has a deleterious effect on protein structure/function; Has not been previously published as pathogenic or benign to our knowledge